The following is an entry in ClinVar:

ClinVar aggregate classification (germline): Uncertain significance (1 of 4 stars; one submission).

Submission:

Labcorp Genetics (formerly Invitae), Labcorp
Classification: Uncertain significance. Last evaluated: 2025-01-27. Review status: criteria provided, single submitter. Criteria: Invitae Variant Classification Sherloc (09022015). Collection method: clinical testing. Allele origin: germline.
Comment: This sequence change replaces glycine, which is neutral and non-polar, with glutamic acid, which is acidic and polar, at codon 27 of the ATRIP protein (p.Gly27Glu). This variant is not present in population databases (gnomAD no frequency). This variant has not been reported in the literature in individuals affected with ATRIP-related conditions. ClinVar contains an entry for this variant (Variation ID: 2003609). An algorithm developed to predict the effect of missense changes on protein structure and function outputs the following: PolyPhen-2: "Benign". The glutamic acid amino acid residue is found in multiple mammalian species, which suggests that this missense change does not adversely affect protein function. In summary, the available evidence is currently insufficient to determine the role of this variant in disease. Therefore, it has been classified as a Variant of Uncertain Significance.

NM_130384.3(ATRIP):c.80G>A (p.Gly27Glu)

Genes: ATRIP (ATR interacting protein; plus strand), ATRIP-TREX1 (ATRIP-TREX1 readthrough; plus strand), LOC129936703 (ATAC-STARR-seq lymphoblastoid silent region 14331; plus strand). Cytogenetic location: 3p21.31.
Variant type: single nucleotide variant.
Coding change: c.80G>A on transcript NM_130384.3 (MANE Select); coding-DNA position 80, G replaced by A.
Protein change: p.Gly27Glu; replaces glycine 27 with glutamic acid.
Molecular consequence: missense variant. On other transcripts: non-coding transcript variant (1), intron variant (1).
Genome position (GRCh38, 1-based): chr3:48,446,925, G>A. VCF-style: chr3-48446925-G-A. GRCh37 (hg19) VCF-style: chr3-48488329-G-A.
Other names: c.80G>A, p.Gly27Glu (NM_032166.4); c.-218+126G>A (NM_001271022.2); short protein forms G27E.
Identifiers: ClinVar variation 2003609 (VCV002003609.4), dbSNP rs1158724598, ClinGen allele CA352702609.